The following is an entry in ClinVar:

ClinVar aggregate classification (germline): Pathogenic. Review status: criteria provided, multiple submitters, no conflicts (2 of 4 stars). 3 submissions from 3 submitters: Pathogenic (3). Last evaluated 2025-06-21.

Conditions:
Coffin-Lowry syndrome (CLS). Also called: COFFIN-LOWRY SYNDROME, MILD; Mental retardation with osteocartilaginous abnormalities. Identifiers: Orphanet 192, MedGen C0265252, MONDO:0010561, OMIM 303600.
Intellectual developmental disorder, X-linked 19. Also called: Intellectual disability, X-linked 19. Identifiers: Orphanet 777, MedGen C0796225, MONDO:0010447, OMIM 300844.

Submissions (3):

GeneDx
Classification: Pathogenic. Last evaluated: 2025-06-21. Review status: criteria provided, single submitter. Criteria: GeneDx Variant Classification Process June 2021. Collection method: clinical testing. Allele origin: germline.
Comment: Nonsense variant predicted to result in protein truncation or nonsense mediated decay in a gene for which loss of function is a known mechanism of disease; Not observed at significant frequency in large population cohorts (gnomAD); This variant is associated with the following publications: (PMID: 25525159, 9837815, 19888300, 11180593)

3billion
Classification: Pathogenic for Coffin-Lowry syndrome. Last evaluated: 2025-01-24. Review status: criteria provided, single submitter. Criteria: ACMG Guidelines, 2015. Collection method: clinical testing. Allele origin: germline. Affected: yes.
Comment: The variant is not observed in the gnomAD v4.1.0 dataset. Predicted Consequence/Location: Stop-gained (nonsense): predicted to result in a loss or disruption of normal protein function through nonsense-mediated decay (NMD) or protein truncation. Multiple pathogenic variants are reported downstream of the variant. The variant has been reported at least twice as pathogenic without evidence for the classification (ClinVar ID: VCV000651889 /PMID: 11180593). Therefore, this variant is classified as Pathogenic according to the recommendation of ACMG/AMP guideline.

Labcorp Genetics (formerly Invitae), Labcorp
Classification: Pathogenic for Coffin-Lowry syndrome; Intellectual developmental disorder, X-linked 19. Last evaluated: 2021-10-08. Review status: criteria provided, single submitter. Criteria: Invitae Variant Classification Sherloc (09022015). Collection method: clinical testing. Allele origin: germline.
Comment: For these reasons, this variant has been classified as Pathogenic. This premature translational stop signal has been observed in individuals with Coffin-Lowry syndrome (PMID: 11180593). This variant is not present in population databases (ExAC no frequency). This sequence change creates a premature translational stop signal (p.Arg243*) in the RPS6KA3 gene. It is expected to result in an absent or disrupted protein product. Loss-of-function variants in RPS6KA3 are known to be pathogenic (PMID: 9837815, 19888300).

Literature cited by the submitters: PubMed 11180593 (cited by 3billion and Labcorp Genetics (formerly Invitae), Labcorp); PubMed 9837815 (cited by Labcorp Genetics (formerly Invitae), Labcorp); PubMed 19888300 (cited by Labcorp Genetics (formerly Invitae), Labcorp).

NM_004586.3(RPS6KA3):c.727C>T (p.Arg243Ter)

Gene: RPS6KA3 (ribosomal protein S6 kinase A3; minus strand). Cytogenetic location: Xp22.12.
Variant type: single nucleotide variant.
Coding change: c.727C>T on transcript NM_004586.3 (MANE Select); coding-DNA position 727, C replaced by T.
Protein change: p.Arg243Ter; replaces arginine 243 with a stop codon.
Molecular consequence: nonsense.
Genome position (GRCh38, 1-based): chrX:20,187,875, G>A on the plus strand (C>T on the coding strand, the complement: RPS6KA3 is on the minus strand). VCF-style: chrX-20187875-G-A. GRCh37 (hg19) VCF-style: chrX-20205993-G-A.
Other names: short protein forms R243*.
Identifiers: ClinVar variation 651889 (VCV000651889.10), dbSNP rs1603425345, ClinGen allele CA412508173.